The following is an entry in ClinVar:

ClinVar aggregate classification (germline): Uncertain significance. Review status: criteria provided, multiple submitters, no conflicts (2 of 4 stars). 3 submissions from 3 submitters: Uncertain significance (3). Last evaluated 2024-10-23.

Conditions:
Cardiovascular phenotype. Identifiers: MedGen CN230736.
Hypoalphalipoproteinemia, primary, 2. Also called: HIGH DENSITY LIPOPROTEIN DEFICIENCY; HYPOALPHALIPOPROTEINEMIA, PRIMARY, 2, AUTOSOMAL RECESSIVE. Identifiers: MedGen C5551172, MONDO:0032766, OMIM 618463.
Hypoalphalipoproteinemia, primary, 2, intermediate. Also called: HYPOALPHALIPOPROTEINEMIA, PRIMARY, 2, AUTOSOMAL DOMINANT. Identifiers: MedGen C5677030, MONDO:0859238, OMIM 619836.
Familial amyloid polyneuropathy, Iowa type (AMYLD3). Also called: AMYLOIDOSIS, HEREDITARY SYSTEMIC 3; AMYLOIDOSIS, IOWA TYPE; AMYLOIDOSIS, VAN ALLEN TYPE; AMYLOIDOSIS, TYPE III; AMYLOIDOSIS, TYPE IV; Familial amyloid polyneuropathy type III. Identifiers: MedGen C4551500, MONDO:0971008, OMIM 620657.

Allele frequency attached by ClinVar (database versions not stated): gnomAD exomes 0.00001.

Submissions (3):

Ambry Genetics
Classification: Uncertain significance for Cardiovascular phenotype. Last evaluated: 2024-10-23. Review status: criteria provided, single submitter. Criteria: Ambry Variant Classification Scheme 2023. Collection method: clinical testing. Allele origin: germline.

Fulgent Genetics
Classification: Uncertain significance for Hypoalphalipoproteinemia, primary, 2; Hypoalphalipoproteinemia, primary, 2, intermediate; Familial amyloid polyneuropathy, Iowa type. Last evaluated: 2024-04-25. Review status: criteria provided, single submitter. Criteria: ACMG Guidelines, 2015. Collection method: clinical testing. Allele origin: germline.

Labcorp Genetics (formerly Invitae), Labcorp
Classification: Uncertain significance. Last evaluated: 2024-03-07. Review status: criteria provided, single submitter. Criteria: Invitae Variant Classification Sherloc (09022015). Collection method: clinical testing. Allele origin: germline.
Comment: This sequence change replaces histidine, which is basic and polar, with glutamine, which is neutral and polar, at codon 179 of the APOA1 protein (p.His179Gln). This variant is not present in population databases (gnomAD no frequency). This variant has not been reported in the literature in individuals affected with APOA1-related conditions. ClinVar contains an entry for this variant (Variation ID: 1907392). Advanced modeling of protein sequence and biophysical properties (such as structural, functional, and spatial information, amino acid conservation, physicochemical variation, residue mobility, and thermodynamic stability) performed at Invitae indicates that this missense variant is not expected to disrupt APOA1 protein function with a negative predictive value of 80%. In summary, the available evidence is currently insufficient to determine the role of this variant in disease. Therefore, it has been classified as a Variant of Uncertain Significance.

NM_000039.3(APOA1):c.537T>G (p.His179Gln)

Gene: APOA1 (apolipoprotein A1; minus strand). Cytogenetic location: 11q23.3.
Variant type: single nucleotide variant.
Coding change: c.537T>G on transcript NM_000039.3 (MANE Select); coding-DNA position 537, T replaced by G.
Protein change: p.His179Gln; replaces histidine 179 with glutamine.
Molecular consequence: missense variant.
Genome position (GRCh38, 1-based): chr11:116,836,075, A>C on the plus strand (T>G on the coding strand, the complement: APOA1 is on the minus strand). VCF-style: chr11-116836075-A-C. GRCh37 (hg19) VCF-style: chr11-116706791-A-C.
Other names: c.537T>G, p.His179Gln (NM_001318017.2, NM_001318018.2); c.210T>G, p.His70Gln (NM_001318021.2); short protein forms H179Q, H70Q.
Identifiers: ClinVar variation 1907392 (VCV001907392.7), dbSNP rs1941537153, ClinGen allele CA382715294.